The following is an entry in ClinVar:

ClinVar aggregate classification (germline): Likely benign. Review status: criteria provided, multiple submitters, no conflicts (2 of 4 stars). 2 submissions from 2 submitters: Likely benign (2). Last evaluated 2024-10-30.

Allele frequency attached by ClinVar (database versions not stated): TOPMed 0.00001; gnomAD 0.00003; ExAC 0.00005; gnomAD exomes 0.00006.
gnomAD v4.1: 92 of 1,612,790 alleles (0.0057%); highest among the groups gnomAD compares: South Asian, 0.058%; 1 homozygote.

Submissions (3):

Labcorp Genetics (formerly Invitae), Labcorp
Classification: Likely benign. Last evaluated: 2024-10-30. Review status: criteria provided, single submitter. Criteria: Invitae Variant Classification Sherloc (09022015). Collection method: clinical testing. Allele origin: germline.

CeGaT Center for Human Genetics Tuebingen
Classification: Likely benign. Last evaluated: 2024-04-01. Review status: criteria provided, single submitter. Criteria: CeGaT Center For Human Genetics Tuebingen Variant Classification Criteria Version 2. Collection method: clinical testing. Allele origin: germline. Affected: yes. Observed: 1 variant allele.
Comment: ZNF335: BP4, BP7

Dr. Peter K. Rogan Lab, Western University
No classification provided (evidence only). Condition: Malignant tumor of urinary bladder. Review status: no classification provided. Collection method: in vitro. Allele origin: not applicable. Functional consequence: retained intron. Not counted in ClinVar's aggregate classification.

NM_022095.4(ZNF335):c.474C>T (p.Gly158=)

Gene: ZNF335 (zinc finger protein 335; minus strand). Cytogenetic location: 20q13.12.
Variant type: single nucleotide variant.
Coding change: c.474C>T on transcript NM_022095.4 (MANE Select); coding-DNA position 474, C replaced by T.
Protein change: p.Gly158=; no amino-acid change (glycine 158 retained).
Molecular consequence: synonymous variant.
Genome position (GRCh38, 1-based): chr20:45,968,331, G>A on the plus strand (C>T on the coding strand, the complement: ZNF335 is on the minus strand). VCF-style: chr20-45968331-G-A. GRCh37 (hg19) VCF-style: chr20-44596970-G-A.
Identifiers: ClinVar variation 3239187 (VCV003239187.22), dbSNP rs750189646.